The following is an entry in ClinVar:

NM_000051.4(ATM):c.5056A>G (p.Ile1686Val)

Gene: ATM (ATM serine/threonine kinase; plus strand). Cytogenetic location: 11q22.3.
Variant type: single nucleotide variant.
Coding change: c.5056A>G on transcript NM_000051.4 (MANE Select); coding-DNA position 5056, A replaced by G.
Protein change: p.Ile1686Val; replaces isoleucine 1686 with valine.
Molecular consequence: missense variant.
Genome position (GRCh38, 1-based): chr11:108,299,764, A>G. VCF-style: chr11-108299764-A-G. GRCh37 (hg19) VCF-style: chr11-108170491-A-G.
Other names: c.5056A>G, p.Ile1686Val (NM_001351834.2); short protein forms I1686V.
Identifiers: ClinVar variation 142682 (VCV000142682.33), dbSNP rs145453814, ClinGen allele CA169104.
Genomic context (GRCh38, chr11:108,299,764, plus strand): 5'-CTATATGTAGAGGCTGTTGGAAGCTGCTTGGGAGAAGTGGGTCCTATAGATTTCTCTACC[A>G]TAGCTATACAACATAGTAAAGATGCATCTTATACCAAGGCCCTTAAGTTATTTGAAGATA-3'
Protein context (NP_000042.3, residues 1676-1696): GEVGPIDFST[Ile1686Val]AIQHSKDASY

ClinVar aggregate classification (germline): Uncertain significance. Review status: criteria provided, multiple submitters, no conflicts (2 of 4 stars). 10 submissions from 10 submitters: Uncertain significance (8). 2 of the submissions do not count toward it. Last evaluated 2025-12-29.

Conditions:
Breast and/or ovarian cancer. Identifiers: MedGen CN221562.
Hereditary cancer-predisposing syndrome. Also called: Neoplastic Syndromes, Hereditary; Hereditary Cancer Syndrome; Hereditary neoplastic syndrome; Tumor predisposition. Identifiers: Orphanet 140162, MedGen C0027672, MeSH D009386, MONDO:0015356.
Familial cancer of breast. Also called: Hereditary breast cancer; hereditary breast carcinoma; BREAST CANCER, FAMILIAL. Identifiers: Orphanet 227535, MedGen C0346153, MONDO:0016419, OMIM 114480. Disease mechanism: loss of function.
Ataxia-telangiectasia syndrome (AT). Also called: Cerebello-oculocutaneous telangiectasia; Immunodeficiency with ataxia telangiectasia; Ataxia-telangiectasia, complementation group D; AT, COMPLEMENTATION GROUP C; ATAXIA-TELANGIECTASIA, FRESNO VARIANT; ATAXIA-TELANGIECTASIA, COMPLEMENTATION GROUP A. Identifiers: Orphanet 100, MedGen C0004135, MONDO:0008840, OMIM 208900.
Malignant tumor of breast. Also called: Malignant breast neoplasm; Cancer breast. Identifiers: MedGen C0006142, MONDO:0007254. Disease mechanism: loss of function.

Allele frequency attached by ClinVar (database versions not stated): gnomAD 0.00001; gnomAD exomes 0.00001 and 0.00003; TOPMed 0.00001; ExAC 0.00002; ESP Exome Variant Server 0.00015.
gnomAD v4.1: 42 of 1,613,908 alleles (0.0026%); highest among the groups gnomAD compares: Non-Finnish European, 0.0035%; no homozygotes.

Submissions (10):

Center for Genomic Medicine, Rigshospitalet, Copenhagen University Hospital
Classification: Uncertain significance. Last evaluated: 2025-12-29. Review status: criteria provided, single submitter. Criteria: ACMG Guidelines, 2015. Collection method: clinical testing. Allele origin: germline.
Comment: Classification criteria: BP4, PM2_supporting

Labcorp Genetics (formerly Invitae), Labcorp
Classification: Uncertain significance for Ataxia-telangiectasia syndrome. Last evaluated: 2025-12-22. Review status: criteria provided, single submitter. Criteria: Invitae Variant Classification Sherloc (09022015). Collection method: clinical testing. Allele origin: germline.
Comment: This sequence change replaces isoleucine, which is neutral and non-polar, with valine, which is neutral and non-polar, at codon 1686 of the ATM protein (p.Ile1686Val). This variant is present in population databases (rs145453814, gnomAD 0.003%). This variant has not been reported in the literature in individuals affected with ATM-related conditions. ClinVar contains an entry for this variant (Variation ID: 142682). Invitae Evidence Modeling of protein sequence and biophysical properties (such as structural, functional, and spatial information, amino acid conservation, physicochemical variation, residue mobility, and thermodynamic stability) indicates that this missense variant is not expected to disrupt ATM protein function with a negative predictive value of 95%. In summary, the available evidence is currently insufficient to determine the role of this variant in disease. Therefore, it has been classified as a Variant of Uncertain Significance.

Color Diagnostics, LLC DBA Color Health
Classification: Uncertain significance for Hereditary cancer-predisposing syndrome. Last evaluated: 2025-06-30. Review status: criteria provided, single submitter. Criteria: ACMG Guidelines, 2015. Collection method: clinical testing. Allele origin: germline.
Comment: This missense variant replaces isoleucine with valine at codon 1686 of the ATM protein. Computational prediction suggests that this variant may not impact protein structure and function. To our knowledge, functional studies have not been reported for this variant. This variant has been reported in individuals affected with breast cancer (PMID: 20305132, 28779002, 32885271). This variant has been identified in 3/251198 chromosomes in the general population by the Genome Aggregation Database (gnomAD). The available evidence is insufficient to determine the role of this variant in disease conclusively. Therefore, this variant is classified as a Variant of Uncertain Significance.

Ambry Genetics
Classification: Uncertain significance for Hereditary cancer-predisposing syndrome. Last evaluated: 2024-08-30. Review status: criteria provided, single submitter. Criteria: Ambry Variant Classification Scheme 2023. Collection method: clinical testing. Allele origin: germline.
Comment: The p.I1686V variant (also known as c.5056A>G), located in coding exon 33 of the ATM gene, results from an A to G substitution at nucleotide position 5056. The isoleucine at codon 1686 is replaced by valine, an amino acid with highly similar properties. This alteration has been reported in cohorts of breast cancer patients (Decker B et al. J. Med. Genet. 2017 11;54:732-741; Lerner-Ellis J et al. J Cancer Res Clin Oncol. 2021 Mar;147:871-879). This amino acid position is highly conserved in available vertebrate species. In addition, this alteration is predicted to be tolerated by in silico analysis. Since supporting evidence is limited at this time, the clinical significance of this alteration remains unclear.

GeneDx
Classification: Uncertain significance. Last evaluated: 2024-03-13. Review status: criteria provided, single submitter. Criteria: GeneDx Variant Classification Process June 2021. Collection method: clinical testing. Allele origin: germline. Affected: yes.
Comment: Not observed at a significant frequency in large population cohorts (gnomAD); In silico analysis supports that this missense variant does not alter protein structure/function; This variant is associated with the following publications: (PMID: 28891048, 28652578, 28779002, 32885271)

Fulgent Genetics
Classification: Uncertain significance for Familial cancer of breast; Ataxia-telangiectasia syndrome. Last evaluated: 2024-01-19. Review status: criteria provided, single submitter. Criteria: ACMG Guidelines, 2015. Collection method: clinical testing. Allele origin: germline.

Baylor Genetics
Classification: Uncertain significance for Familial cancer of breast. Last evaluated: 2023-10-18. Review status: criteria provided, single submitter. Criteria: ACMG Guidelines, 2015. Collection method: clinical testing. Allele origin: unknown.

CHEO Genetics Diagnostic Laboratory, Children's Hospital of Eastern Ontario
Classification: Uncertain significance for Breast and/or ovarian cancer. Last evaluated: 2019-09-13. Review status: criteria provided, single submitter. Criteria: ACMG Guidelines, 2015. Collection method: clinical testing. Allele origin: germline.

Natera, Inc.
Classification: Uncertain significance for Ataxia-telangiectasia. Last evaluated: 2020-12-04. Review status: no assertion criteria provided. Collection method: clinical testing. Allele origin: germline. Not counted in ClinVar's aggregate classification.

Department of Pathology and Laboratory Medicine, Sinai Health System
Classification: Uncertain significance for Malignant tumor of breast. Review status: no assertion criteria provided. Collection method: clinical testing. Allele origin: unknown. Affected: yes. Study: The Canadian Open Genetics Repository (COGR). Not counted in ClinVar's aggregate classification.
Comment: The ATM p.Ile1686Val variant was not identified in the literature nor was it identified in the LOVD 3.0 database. The variant was identified in dbSNP (ID: rs145453814) as â€šÃ„ÃºWith Uncertain significance alleleâ€šÃ„Ã¹, and ClinVar (as uncertain significance by Ambry Genetics, Invitae, GeneDx, and Color Genomics) .The variant was identified in control databases in 3 of 245960 chromosomes at a frequency of 0.000012 (Genome Aggregation Database Feb 27, 2017). The variant was observed in the following populations: European (Non-Finnish) in 3 of 111436 chromosomes (freq: 0.000027), while the variant was not observed in the African, Other, Latino, Ashkenazi Jewish, East Asian, European (Finnish), and South Asian populations. The p.Ile1686 residue is conserved across mammals and other organisms, and four out of five computational analyses (PolyPhen-2, SIFT, AlignGVGD, BLOSUM, MutationTaster) suggest that the p.Ile1686Val variant may impact the protein; however, this information is not predictive enough to assume pathogenicity. The variant occurs outside of the splicing consensus sequence and in silico or computational prediction software programs (SpliceSiteFinder, MaxEntScan, NNSPLICE, GeneSplicer) do not predict a difference in splicing. In summary, based on the above information the clinical significance of this variant cannot be determined with certainty at this time. This variant is classified as a variant of uncertain significance.

Literature cited by the submitters: PubMed 32885271 (cited by 3 submitters); PubMed 20305132 (cited by Color Diagnostics, LLC DBA Color Health); PubMed 28779002 (cited by Color Diagnostics, LLC DBA Color Health and Ambry Genetics).